The following is an entry in ClinVar:

ClinVar aggregate classification (germline): Benign/Likely benign. Review status: criteria provided, multiple submitters, no conflicts (2 of 4 stars). 2 submissions from 2 submitters: Benign (1); Likely benign (1). Last evaluated 2026-02-10.

Conditions:
Lynch syndrome 4 (LYNCH4). Also called: Colorectal cancer, hereditary nonpolyposis, type 4; Hereditary non-polyposis colorectal cancer, type 4. Identifiers: Orphanet 144, MedGen C1838333, MONDO:0013699, OMIM 614337. Disease mechanism: loss of function.
Hereditary cancer-predisposing syndrome. Also called: Neoplastic Syndromes, Hereditary; Tumor predisposition; Hereditary neoplastic syndrome; Hereditary Cancer Syndrome. Identifiers: Orphanet 140162, MedGen C0027672, MeSH D009386, MONDO:0015356.

Submissions (2):

Ambry Genetics
Classification: Likely benign for Hereditary cancer-predisposing syndrome. Last evaluated: 2026-02-10. Review status: criteria provided, single submitter. Criteria: Ambry Variant Classification Scheme 2023. Collection method: clinical testing. Allele origin: germline.

Myriad Genetics, Inc.
Classification: Benign for Lynch syndrome 4. Last evaluated: 2025-02-04. Review status: criteria provided, single submitter. Criteria: Myriad Autosomal Dominant, Autosomal Recessive and X-Linked Classification Criteria (2023). Collection method: clinical testing. Allele origin: unknown.
Comment: This variant is considered benign. This variant is a silent/synonymous amino acid change and it is not expected to impact splicing.

NM_000535.7(PMS2):c.2298A>G (p.Lys766=)

Gene: PMS2 (PMS1 homolog 2, mismatch repair system component; minus strand). Cytogenetic location: 7p22.1.
Variant type: single nucleotide variant.
Coding change: c.2298A>G on transcript NM_000535.7 (MANE Select); coding-DNA position 2298, A replaced by G.
Protein change: p.Lys766=; no amino-acid change (lysine 766 retained).
Molecular consequence: synonymous variant. On other transcripts: intron variant (2).
Genome position (GRCh38, 1-based): chr7:5,977,735, T>C on the plus strand (A>G on the coding strand, the complement: PMS2 is on the minus strand). VCF-style: chr7-5977735-T-C. GRCh37 (hg19) VCF-style: chr7-6017366-T-C.
Other names: c.1527A>G, p.Lys509= (NM_001406911.1); c.1095A>G, p.Lys365= (NM_001406912.1); c.1602-21A>G (NM_001406910.1); c.2175-21A>G (NM_001406871.1); c.1893A>G, p.Lys631= (NM_001322003.2, NM_001322004.2, NM_001322005.2 and 11 more transcripts); c.2142A>G, p.Lys714= (NM_001322006.2); c.1980A>G, p.Lys660= (NM_001322007.2, NM_001322008.2, NM_001406883.1); c.1926A>G, p.Lys642= (NM_001322009.2, NM_001406887.1, NM_001406888.1); and 20 more.
Identifiers: ClinVar variation 3903908 (VCV003903908.2).